The following is an entry in ClinVar:

ClinVar aggregate classification (germline): Uncertain significance (1 of 4 stars; one submission).

Conditions:
Cardiovascular phenotype. Identifiers: MedGen CN230736.
Hereditary cancer-predisposing syndrome. Also called: Neoplastic Syndromes, Hereditary; Tumor predisposition; Hereditary neoplastic syndrome; Hereditary Cancer Syndrome. Identifiers: Orphanet 140162, MedGen C0027672, MeSH D009386, MONDO:0015356.

Submission:

Ambry Genetics
Classification: Uncertain significance for Cardiovascular phenotype; Hereditary cancer-predisposing syndrome. Last evaluated: 2025-05-29. Review status: criteria provided, single submitter. Criteria: Ambry Variant Classification Scheme 2023. Collection method: clinical testing. Allele origin: germline.
Comment: The p.I2275K variant (also known as c.6824T>A), located in coding exon 45 of the NF1 gene, results from a T to A substitution at nucleotide position 6824. The isoleucine at codon 2275 is replaced by lysine, an amino acid with dissimilar properties. This amino acid position is conserved. In addition, the in silico prediction for this alteration is inconclusive. Based on the available evidence, the clinical significance of this variant remains unclear.

NM_001042492.3(NF1):c.6887T>A (p.Ile2296Lys)

Gene: NF1 (neurofibromin 1; plus strand). Cytogenetic location: 17q11.2.
Variant type: single nucleotide variant.
Coding change: c.6887T>A on transcript NM_001042492.3 (MANE Select); coding-DNA position 6887, T replaced by A.
Protein change: p.Ile2296Lys; replaces isoleucine 2296 with lysine.
Molecular consequence: missense variant.
Genome position (GRCh38, 1-based): chr17:31,338,771, T>A. VCF-style: chr17-31338771-T-A. GRCh37 (hg19) VCF-style: chr17-29665789-T-A.
Other names: c.6824T>A, p.Ile2275Lys (NM_000267.4); short protein forms I2275K, I2296K.
Identifiers: ClinVar variation 4035424 (VCV004035424.1).
Genomic context (GRCh38, chr17:31,338,771, plus strand): 5'-AGAGTTGCTTAAAAGGACCTGACACTTACAACAGTCAAGTTCTGATAGAAGCTACAGTAA[T>A]AGCACTAACCAAATTACAGCCACTTCTTAATAAGGTAATTACTGTATAGAAAATGAGTGC-3'
Protein context (NP_001035957.1, residues 2286-2306): NSQVLIEATV[Ile2296Lys]ALTKLQPLLN